The following is an entry in ClinVar:

ClinVar aggregate classification (germline): Pathogenic. Review status: criteria provided, multiple submitters, no conflicts (2 of 4 stars). 4 submissions from 4 submitters: Pathogenic (3). 1 of the submissions does not count toward it. Last evaluated 2025-07-13.

Conditions:
Retinal dystrophy. Also called: Inherited retinal dystrophy. Identifiers: Orphanet 71862, MedGen C0854723, MeSH D058499, MONDO:0019118, HP:0000556.
Retinitis pigmentosa (RP). Identifiers: Orphanet 791, MedGen C0035334, MeSH D012174, MONDO:0019200, OMIM 268000. Inheritance: Autosomal dominant, autosomal recessive and X linked inheritance.
PDE6B-related disorder. Also called: PDE6B-related disease; PDE6B-related condition; PDE6B-related disorders.

Allele frequency attached by ClinVar (database versions not stated): TOPMed below 0.00001; gnomAD exomes 0.00001.
gnomAD v4.1: 14 of 1,601,390 alleles (0.00087%); highest among the groups gnomAD compares: Non-Finnish European, 0.0011%; no homozygotes.

Submissions (4):

Labcorp Genetics (formerly Invitae), Labcorp
Classification: Pathogenic. Last evaluated: 2025-07-13. Review status: criteria provided, single submitter. Criteria: Invitae Variant Classification Sherloc (09022015). Collection method: clinical testing. Allele origin: germline.
Comment: This sequence change creates a premature translational stop signal (p.Tyr97*) in the PDE6B gene. It is expected to result in an absent or disrupted protein product. Loss-of-function variants in PDE6B are known to be pathogenic (PMID: 8394174, 8595886, 22334370). The frequency data for this variant in the population databases is considered unreliable, as metrics indicate poor data quality at this position in the gnomAD database. This premature translational stop signal has been observed in individual(s) with autosomal recessive inherited retinal disease (PMID: 27208204). ClinVar contains an entry for this variant (Variation ID: 228390). For these reasons, this variant has been classified as Pathogenic.

Blueprint Genetics
Classification: Pathogenic for PDE6B-related disorders. Last evaluated: 2022-11-14. Review status: criteria provided, single submitter. Criteria: ACMG Guidelines, 2015. Collection method: clinical testing. Allele origin: germline. Affected: yes. Observed: 5 variant alleles.

Laboratory for Molecular Medicine, Mass General Brigham Personalized Medicine
Classification: Pathogenic for Retinitis pigmentosa. Last evaluated: 2015-03-11. Review status: criteria provided, single submitter. Criteria: LMM Criteria. Collection method: clinical testing. Allele origin: germline. Inheritance: Autosomal recessive inheritance. Observed: 1 variant allele.
Comment: The p.Tyr97X variant in PDE6B has not been previously reported in individuals wi th retinitis pigmentosa and was absent from large population studies. This nonse nse variant leads to a premature termination codon at position 97, which is pred icted to lead to a truncated or absent protein. Complete loss of PDE6B function is an established disease mechanism in retinitis pigmentosa. In summary, this va riant meets our criteria to be classified as pathogenic for retinitis pigmentosa in an autosomal recessive manner.

Centre for Genomic Medicine, Manchester, Central Manchester University Hospitals
Classification: Likely pathogenic for Retinal dystrophy. Review status: no assertion criteria provided. Collection method: clinical testing. Allele origin: germline. Affected: yes. Not counted in ClinVar's aggregate classification.

Literature cited by the submitters: PubMed 8394174 (cited by Labcorp Genetics (formerly Invitae), Labcorp); PubMed 8595886 (cited by Labcorp Genetics (formerly Invitae), Labcorp); PubMed 22334370 (cited by Labcorp Genetics (formerly Invitae), Labcorp); PubMed 27208204 (cited by Labcorp Genetics (formerly Invitae), Labcorp).

NM_000283.4(PDE6B):c.291C>A (p.Tyr97Ter)

Gene: PDE6B (phosphodiesterase 6B; plus strand). Cytogenetic location: 4p16.3.
Variant type: single nucleotide variant.
Coding change: c.291C>A on transcript NM_000283.4 (MANE Select); coding-DNA position 291, C replaced by A.
Protein change: p.Tyr97Ter; replaces tyrosine 97 with a stop codon.
Molecular consequence: nonsense.
Genome position (GRCh38, 1-based): chr4:625,917, C>A. VCF-style: chr4-625917-C-A. GRCh37 (hg19) VCF-style: chr4-619706-C-A.
Other names: c.291C>A, p.Tyr97Ter (NM_001145291.2); short protein forms Y97*.
Identifiers: ClinVar variation 228390 (VCV000228390.15), dbSNP rs876657718, ClinGen allele CA10576636.
Genomic context (GRCh38, chr4:625,917, plus strand): 5'-CAAGGTCCTGCGGCGCCTCTGCACCCTCCTGCAGGCCGACCGCTGCAGCCTCTTCATGTA[C>A]CGCCAGCGCAACGGCGTGGCCGAGCTGGCCACCAGGCTTTTCAGCGTGCAGCCGGACAGC-3'